The following is an entry in ClinVar:

NM_001330588.2(TPP2):c.658A>C (p.Lys220Gln)

Gene: TPP2 (tripeptidyl peptidase 2; plus strand). Cytogenetic location: 13q33.1.
Variant type: single nucleotide variant.
Coding change: c.658A>C on transcript NM_001330588.2 (MANE Select); coding-DNA position 658, A replaced by C.
Protein change: p.Lys220Gln; replaces lysine 220 with glutamine.
Molecular consequence: missense variant. On other transcripts: non-coding transcript variant (1).
Genome position (GRCh38, 1-based): chr13:102,622,914, A>C. VCF-style: chr13-102622914-A-C. GRCh37 (hg19) VCF-style: chr13-103275264-A-C.
Other names: c.658A>C, p.Lys220Gln (LRG_1341t1, NM_001367947.1, NM_003291.4); short protein forms K220Q.
Identifiers: ClinVar variation 544308 (VCV000544308.8), dbSNP rs1354981955, ClinGen allele CA388477058.

ClinVar aggregate classification (germline): Uncertain significance. Review status: criteria provided, multiple submitters, no conflicts (2 of 4 stars). 2 submissions from 2 submitters: Uncertain significance (2). Last evaluated 2025-08-26.

Conditions:
Evans syndrome, immunodeficiency, and premature immunosenescence associated with tripeptidyl-peptidase II deficiency. Identifiers: MedGen CN231723. Disease mechanism: loss of function.
Inborn genetic diseases. Identifiers: MedGen C0950123, MeSH D030342.

Allele frequency attached by ClinVar (database versions not stated): gnomAD 0.00001 and 0.00002; gnomAD exomes 0.00001; TOPMed 0.00002.
gnomAD v4.1: 15 of 1,613,910 alleles (0.00093%); highest among the groups gnomAD compares: Non-Finnish European, 0.0013%; no homozygotes.

Submissions (2):

Ambry Genetics
Classification: Uncertain significance for Inborn genetic diseases. Last evaluated: 2025-08-26. Review status: criteria provided, single submitter. Criteria: Ambry Variant Classification Scheme 2023. Collection method: clinical testing. Allele origin: germline.

Labcorp Genetics (formerly Invitae), Labcorp
Classification: Uncertain significance for Evans syndrome, immunodeficiency, and premature immunosenescence associated with tripeptidyl-peptidase II deficiency. Last evaluated: 2022-01-01. Review status: criteria provided, single submitter. Criteria: Invitae Variant Classification Sherloc (09022015). Collection method: clinical testing. Allele origin: germline.
Comment: ClinVar contains an entry for this variant (Variation ID: 544308). Algorithms developed to predict the effect of missense changes on protein structure and function (SIFT, PolyPhen-2, Align-GVGD) all suggest that this variant is likely to be tolerated. In summary, the available evidence is currently insufficient to determine the role of this variant in disease. Therefore, it has been classified as a Variant of Uncertain Significance. This variant has not been reported in the literature in individuals affected with TPP2-related conditions. This sequence change replaces lysine, which is basic and polar, with glutamine, which is neutral and polar, at codon 220 of the TPP2 protein (p.Lys220Gln). This variant is not present in population databases (gnomAD no frequency).